The following is an entry in ClinVar:

ClinVar aggregate classification (germline): Conflicting classifications of pathogenicity. Review status: criteria provided, conflicting classifications (1 of 4 stars). 7 submissions from 7 submitters: Uncertain significance (1); Benign (1); Likely benign (5). Last evaluated 2025-12-17.

Conditions:
Hereditary cancer-predisposing syndrome. Also called: Hereditary Cancer Syndrome; Tumor predisposition; Neoplastic Syndromes, Hereditary; Hereditary neoplastic syndrome. Identifiers: Orphanet 140162, MedGen C0027672, MeSH D009386, MONDO:0015356.
Hereditary diffuse gastric adenocarcinoma (HDGC). Also called: DIFFUSE GASTRIC AND LOBULAR BREAST CANCER SYNDROME. Identifiers: Orphanet 26106, MedGen C1708349, MONDO:0007648, OMIM 137215.

Allele frequency attached by ClinVar (database versions not stated): gnomAD exomes below 0.00001.
gnomAD v4.1: 1 of 1,614,062 alleles (0.000062%); highest among the groups gnomAD compares: Non-Finnish European, 0.000085%; no homozygotes.

Submissions (7):

Labcorp Genetics (formerly Invitae), Labcorp
Classification: Likely benign for Hereditary diffuse gastric adenocarcinoma. Last evaluated: 2025-12-17. Review status: criteria provided, single submitter. Criteria: Invitae Variant Classification Sherloc (09022015). Collection method: clinical testing. Allele origin: germline.

Myriad Genetics, Inc.
Classification: Benign for Hereditary diffuse gastric adenocarcinoma. Last evaluated: 2024-09-17. Review status: criteria provided, single submitter. Criteria: Myriad Autosomal Dominant, Autosomal Recessive and X-Linked Classification Criteria (2023). Collection method: clinical testing. Allele origin: unknown.
Comment: This variant is considered benign. This variant is a silent/synonymous amino acid change and it is not expected to impact splicing.

European Reference Network on Genetic Tumour Risk Syndromes (ERN-GENTURIS), i3s - Instituto de Investigação e Inovação em Saúde, University of Porto
Classification: Uncertain significance for Hereditary diffuse gastric adenocarcinoma. Last evaluated: 2022-08-01. Review status: criteria provided, single submitter. Criteria: Lee et al. (Hum Mutat. 2018). Collection method: clinical testing. Allele origin: germline. Inheritance: Autosomal dominant inheritance. Affected: no. Study: ERN GENTURIS.
Comment: PM2; BP7 (PMID: 30311375)

Color Diagnostics, LLC DBA Color Health
Classification: Likely benign for Hereditary cancer-predisposing syndrome. Last evaluated: 2020-06-22. Review status: criteria provided, single submitter. Criteria: ACMG Guidelines, 2015. Collection method: clinical testing. Allele origin: germline.

Quest Diagnostics Nichols Institute San Juan Capistrano
Classification: Likely benign. Last evaluated: 2018-06-26. Review status: criteria provided, single submitter. Criteria: Quest Diagnostics criteria. Collection method: clinical testing. Allele origin: germline.

GeneDx
Classification: Likely benign. Last evaluated: 2017-08-04. Review status: criteria provided, single submitter. Criteria: GeneDx Variant Classification (06012015). Collection method: clinical testing. Allele origin: germline. Affected: yes.
Comment: This variant is considered likely benign or benign based on one or more of the following criteria: it is a conservative change, it occurs at a poorly conserved position in the protein, it is predicted to be benign by multiple in silico algorithms, and/or has population frequency not consistent with disease.

Ambry Genetics
Classification: Likely benign for Hereditary cancer-predisposing syndrome. Last evaluated: 2015-12-08. Review status: criteria provided, single submitter. Criteria: Ambry Variant Classification Scheme 2023. Collection method: clinical testing. Allele origin: germline.

Literature cited by the submitters: PubMed 36436516 (cited by European Reference Network on Genetic Tumour Risk Syndromes (ERN-GENTURIS), i3s - Instituto de Investigação e Inovação em Saúde, University of Porto).

NM_004360.5(CDH1):c.924T>C (p.Asp308=)

Gene: CDH1 (cadherin 1; plus strand). Cytogenetic location: 16q22.1.
Variant type: single nucleotide variant.
Coding change: c.924T>C on transcript NM_004360.5 (MANE Select); coding-DNA position 924, T replaced by C.
Protein change: p.Asp308=; no amino-acid change (aspartic acid 308 retained).
Molecular consequence: synonymous variant. On other transcripts: 5 prime UTR variant (2).
Genome position (GRCh38, 1-based): chr16:68,811,775, T>C. VCF-style: chr16-68811775-T-C. GRCh37 (hg19) VCF-style: chr16-68845678-T-C.
Other names: c.924T>C, p.Asp308= (NM_001317184.2); c.-692T>C (NM_001317185.2); c.-896T>C (NM_001317186.2); c.924T>C (LRG_301t1).
Identifiers: ClinVar variation 506494 (VCV000506494.18), dbSNP rs1555515629, ClinGen allele CA496152900.